The following is an entry in ClinVar:

NM_002838.5(PTPRC):c.2204A>T (p.Asp735Val)

Gene: PTPRC (protein tyrosine phosphatase receptor type C; plus strand). Cytogenetic location: 1q32.1.
Variant type: single nucleotide variant.
Coding change: c.2204A>T on transcript NM_002838.5 (MANE Select); coding-DNA position 2204, A replaced by T.
Protein change: p.Asp735Val; replaces aspartic acid 735 with valine.
Molecular consequence: missense variant.
Genome position (GRCh38, 1-based): chr1:198,734,352, A>T. VCF-style: chr1-198734352-A-T. GRCh37 (hg19) VCF-style: chr1-198703481-A-T.
Other names: c.1721A>T, p.Asp574Val (NM_080921.4); c.2198A>T (NM_002838.3); short protein forms D574V, D735V.
Identifiers: ClinVar variation 2161900 (VCV002161900.3), dbSNP rs201711547, ClinGen allele CA1315041.

ClinVar aggregate classification (germline): Uncertain significance. Review status: criteria provided, multiple submitters, no conflicts (2 of 4 stars). 2 submissions from 2 submitters: Uncertain significance (2). Last evaluated 2025-08-03.

Conditions:
Inborn genetic diseases. Identifiers: MedGen C0950123, MeSH D030342.
Immunodeficiency 104. Also called: IMMUNODEFICIENCY 104, SEVERE COMBINED; SCID, AUTOSOMAL RECESSIVE, T CELL-NEGATIVE, B CELL-POSITIVE, NK CELL-POSITIVE; Severe Combined Immune Deficiency, Autosomal Recessive, TCell -Negative, B Cell-Positive, NK Cell-Positive, IL7R-Related; Severe combined immunodeficiency, autosomal recessive, T cell-negative, B cell-positive, NK cell-positive. Identifiers: MedGen C5676890, MONDO:0012163, OMIM 608971.

Allele frequency attached by ClinVar (database versions not stated): gnomAD exomes below 0.00001; ExAC 0.00001; 1000 Genomes Project 30x 0.00031.
gnomAD v4.1: 5 of 1,611,074 alleles (0.00031%); highest among the groups gnomAD compares: East Asian, 0.011%; no homozygotes.

Submissions (2):

Ambry Genetics
Classification: Uncertain significance for Inborn genetic diseases. Last evaluated: 2025-08-03. Review status: criteria provided, single submitter. Criteria: Ambry Variant Classification Scheme 2023. Collection method: clinical testing. Allele origin: germline.

Labcorp Genetics (formerly Invitae), Labcorp
Classification: Uncertain significance for Immunodeficiency 104. Last evaluated: 2022-02-03. Review status: criteria provided, single submitter. Criteria: Invitae Variant Classification Sherloc (09022015). Collection method: clinical testing. Allele origin: germline.
Comment: This sequence change replaces aspartic acid, which is acidic and polar, with valine, which is neutral and non-polar, at codon 735 of the PTPRC protein (p.Asp735Val). This variant is present in population databases (rs201711547, gnomAD 0.01%). This variant has not been reported in the literature in individuals affected with PTPRC-related conditions. Algorithms developed to predict the effect of missense changes on protein structure and function (SIFT, PolyPhen-2, Align-GVGD) all suggest that this variant is likely to be disruptive. In summary, the available evidence is currently insufficient to determine the role of this variant in disease. Therefore, it has been classified as a Variant of Uncertain Significance.